The following is an entry in ClinVar:

ClinVar aggregate classification (germline): Pathogenic. Review status: criteria provided, multiple submitters, no conflicts (2 of 4 stars). 3 submissions from 3 submitters: Pathogenic (3). Last evaluated 2025-02-27.

Conditions:
Neurodevelopmental disorder with dysmorphic facies and distal limb anomalies. Identifiers: Orphanet 686482, MedGen C4540327, MONDO:0060596, OMIM 617755.

Submissions (3):

GeneDx
Classification: Pathogenic. Last evaluated: 2025-02-27. Review status: criteria provided, single submitter. Criteria: GeneDx Variant Classification Process June 2021. Collection method: clinical testing. Allele origin: germline. Affected: yes.
Comment: Nonsense variant predicted to result in protein truncation or nonsense mediated decay in a gene for which loss of function is a known mechanism of disease; Not observed at significant frequency in large population cohorts (gnomAD); Has not been previously published as pathogenic or benign to our knowledge

Labcorp Genetics (formerly Invitae), Labcorp
Classification: Pathogenic. Last evaluated: 2024-04-25. Review status: criteria provided, single submitter. Criteria: Invitae Variant Classification Sherloc (09022015). Collection method: clinical testing. Allele origin: germline.
Comment: This sequence change creates a premature translational stop signal (p.Arg2841*) in the BPTF gene. It is expected to result in an absent or disrupted protein product. Loss-of-function variants in BPTF are known to be pathogenic (PMID: 28942966). This variant is not present in population databases (gnomAD no frequency). This variant has not been reported in the literature in individuals affected with BPTF-related conditions. For these reasons, this variant has been classified as Pathogenic.

Genetics Laboratory, UDIAT-Centre Diagnòstic, Hospital Universitari Parc Tauli
Classification: Pathogenic for neurodevelopmental disorder with dysmorphic facies and distal limb anomalies. Last evaluated: 2023-02-27. Review status: criteria provided, single submitter. Criteria: ACMG Guidelines, 2015. Collection method: clinical testing. Allele origin: unknown. Inheritance: Autosomal dominant inheritance. Affected: yes.
Comment: PVS1_very strong;PM2_supporting;PM6_moderate

Literature cited by the submitters: PubMed 28942966 (cited by Labcorp Genetics (formerly Invitae), Labcorp).

NM_182641.4(BPTF):c.8572C>T (p.Arg2858Ter)

Gene: BPTF (bromodomain PHD finger transcription factor; plus strand). Cytogenetic location: 17q24.2.
Variant type: single nucleotide variant.
Coding change: c.8572C>T on transcript NM_182641.4 (MANE Select); coding-DNA position 8572, C replaced by T.
Protein change: p.Arg2858Ter; replaces arginine 2858 with a stop codon.
Molecular consequence: nonsense.
Genome position (GRCh38, 1-based): chr17:67,975,804, C>T. VCF-style: chr17-67975804-C-T. GRCh37 (hg19) VCF-style: chr17-65971920-C-T.
Other names: c.8521C>T (NM_004459.6); c.8521C>T, p.Arg2841Ter (NM_004459.7); short protein forms R2841*, R2858*.
Identifiers: ClinVar variation 3679943 (VCV003679943.4).
Genomic context (GRCh38, chr17:67,975,804, plus strand): 5'-AAAATGTTTTACATTTTGTGTTTTTAAGACCTTGCCACCATGGAAGAAAGAGTACAAAGA[C>T]GATATTATGAAAAGCTGACGGAATTTGTGGCAGATATGACCAAAATTTTTGATAACTGTC-3'